The following is an entry in ClinVar:

ClinVar aggregate classification (germline): Pathogenic. Review status: criteria provided, multiple submitters, no conflicts (2 of 4 stars). 3 submissions from 3 submitters: Pathogenic (3). Last evaluated 2026-09-01.

Conditions:
Osteogenesis imperfecta type I (OI1). Also called: Lobstein disease; Lobstein's Disease; OI, TYPE I; OSTEOGENESIS IMPERFECTA TARDA; OSTEOGENESIS IMPERFECTA WITH BLUE SCLERAE; Osteogenesis imperfecta type 1. Identifiers: Orphanet 216796, Orphanet 666, MedGen C0023931, MONDO:0008146, OMIM 166200. Disease mechanism: loss of function.

Submissions (3):

GeneDx
Classification: Pathogenic. Last evaluated: 2026-09-01. Review status: criteria provided, single submitter. Criteria: GeneDx Variant Classification Process June 2021. Collection method: clinical testing. Allele origin: germline.
Comment: Canonical splice site variant predicted to result in a null allele in a gene for which loss of function is a known mechanism of disease; Not observed at significant frequency in large population cohorts (gnomAD); This variant is associated with the following publications: (PMID: 17078022, 25963598, 31304589)

Women's Health and Genetics/Laboratory Corporation of America, LabCorp
Classification: Pathogenic for Osteogenesis imperfecta type I. Last evaluated: 2026-03-05. Review status: criteria provided, single submitter. Criteria: LabCorp Variant Classification Summary - May 2015. Collection method: clinical testing. Allele origin: germline.
Comment: Variant summary: COL1A1 c.859-1G>A is located in a canonical splice-site and is predicted to affect mRNA splicing resulting in a significantly altered protein due to either exon skipping, shortening, or inclusion of intronic material. Variants that disrupt the consensus splice site are a relatively common cause of aberrant splicing and loss of COL1A1 function. Several computational tools predict a significant impact on normal splicing: Four predict the variant abolishes a 3' acceptor site. Four predict the variant creates a 3' acceptor site. However, these predictions have yet to be confirmed by functional studies. The variant was absent in 251464 control chromosomes. c.859-1G>A has been observed in individual(s) affected with Osteogenesis imperfecta (Marini_2007, Schleit_2015). These data indicate that the variant is likely to be associated with disease. To our knowledge, no experimental evidence demonstrating an impact on protein function has been reported. The following publications have been ascertained in the context of this evaluation (PMID: 17078022, 25963598). ClinVar contains an entry for this variant (Variation ID: 1192734). Based on the evidence outlined above, the variant was classified as pathogenic.

Labcorp Genetics (formerly Invitae), Labcorp
Classification: Pathogenic for Osteogenesis imperfecta type I. Last evaluated: 2025-08-18. Review status: criteria provided, single submitter. Criteria: Invitae Variant Classification Sherloc (09022015). Collection method: clinical testing. Allele origin: germline.
Comment: This sequence change affects an acceptor splice site in intron 12 of the COL1A1 gene. It is expected to disrupt RNA splicing. Variants that disrupt the donor or acceptor splice site typically lead to a loss of protein function (PMID: 16199547), and loss-of-function variants in COL1A1 are known to be pathogenic (PMID: 7942841, 9295084, 9443882). This variant is not present in population databases (gnomAD no frequency). Disruption of this splice site has been observed in individual(s) with osteogenesis imperfecta (PMID: 17078022). This variant is also known as IVS12-1G>A. ClinVar contains an entry for this variant (Variation ID: 1192734). Algorithms developed to predict the effect of sequence changes on RNA splicing suggest that this variant may disrupt the consensus splice site. For these reasons, this variant has been classified as Pathogenic.

Literature cited by the submitters: PubMed 17078022 (cited by Women's Health and Genetics/Laboratory Corporation of America, LabCorp and Labcorp Genetics (formerly Invitae), Labcorp); PubMed 25963598 (cited by Women's Health and Genetics/Laboratory Corporation of America, LabCorp); PubMed 16199547 (cited by Labcorp Genetics (formerly Invitae), Labcorp); PubMed 7942841 (cited by Labcorp Genetics (formerly Invitae), Labcorp); PubMed 9295084 (cited by Labcorp Genetics (formerly Invitae), Labcorp); PubMed 9443882 (cited by Labcorp Genetics (formerly Invitae), Labcorp).

NM_000088.4(COL1A1):c.859-1G>A

Genes: COL1A1 (collagen type I alpha 1 chain; minus strand), LOC126862586 (CDK7 strongly-dependent group 2 enhancer GRCh37_chr17:48273702-48274901; plus strand). Cytogenetic location: 17q21.33.
Variant type: single nucleotide variant.
Coding change: c.859-1G>A on transcript NM_000088.4 (MANE Select); the canonical splice acceptor site of the intron before coding-DNA position 859, G replaced by A.
Molecular consequence: splice acceptor variant.
Genome position (GRCh38, 1-based): chr17:50,196,529, C>T on the plus strand (G>A on the coding strand, the complement: COL1A1 is on the minus strand). VCF-style: chr17-50196529-C-T. GRCh37 (hg19) VCF-style: chr17-48273890-C-T.
Identifiers: ClinVar variation 1192734 (VCV001192734.10), dbSNP rs72645339, ClinGen allele CA291547324.